The following is an entry in ClinVar:

ClinVar aggregate classification (germline): Pathogenic (1 of 4 stars; one submission).

Conditions:
Tumor predisposition syndrome 3 (TPDS3). Also called: Melanoma, cutaneous malignant, susceptibility to, 10; Glioma susceptibility 9; LONG TELOMERE SYNDROME, POT1-RELATED; POT1 Tumor Predisposition. Identifiers: Orphanet 618, MedGen C4014476, MONDO:0014368, OMIM 615848.

Submission:

Labcorp Genetics (formerly Invitae), Labcorp
Classification: Pathogenic for Tumor predisposition syndrome 3. Last evaluated: 2022-08-10. Review status: criteria provided, single submitter. Criteria: Invitae Variant Classification Sherloc (09022015). Collection method: clinical testing. Allele origin: germline.
Comment: For these reasons, this variant has been classified as Pathogenic. This variant has not been reported in the literature in individuals affected with POT1-related conditions. This variant is a gross deletion of the genomic region encompassing exon(s) 13 of the POT1 gene. This deletion is out-of-frame, and is expected to create a premature termination codon and result in an absent or disrupted protein product. Loss-of-function variants in POT1 are known to be pathogenic (PMID: 32155570).

Literature cited by the submitters: PubMed 32155570.

NC_000007.13:g.(?_124482851)_(124483027_?)del

Gene: POT1 (protection of telomeres 1; minus strand). Cytogenetic location: 7q31.33.
Variant type: Deletion.
Identifiers: ClinVar variation 1036448 (VCV001036448.7).